The following is an entry in ClinVar:

NM_000398.7(CYB5R3):c.592C>A (p.Pro198Thr)

Gene: CYB5R3 (cytochrome b5 reductase 3; minus strand). Cytogenetic location: 22q13.2.
Variant type: single nucleotide variant.
Coding change: c.592C>A on transcript NM_000398.7 (MANE Select); coding-DNA position 592, C replaced by A.
Protein change: p.Pro198Thr; replaces proline 198 with threonine.
Molecular consequence: missense variant.
Genome position (GRCh38, 1-based): chr22:42,627,345, G>T on the plus strand (C>A on the coding strand, the complement: CYB5R3 is on the minus strand). VCF-style: chr22-42627345-G-T. GRCh37 (hg19) VCF-style: chr22-43023351-G-T.
Other names: p.Pro198Thr; c.523C>A, p.Pro175Thr (NM_001129819.2, NM_001171661.1, NM_007326.4); c.691C>A, p.Pro231Thr (NM_001171660.2); short protein forms P175T, P198T, P231T.
Identifiers: ClinVar variation 3380727 (VCV003380727.1).

ClinVar aggregate classification (germline): Uncertain significance (1 of 4 stars; one submission).

gnomAD v4.1: 6 of 1,613,880 alleles (0.00037%); highest among the groups gnomAD compares: African/African-American, 0.004%; no homozygotes.

Submission:

Mayo Clinic Laboratories, Mayo Clinic
Classification: Uncertain significance. Last evaluated: 2024-02-15. Review status: criteria provided, single submitter. Criteria: ACMG Guidelines, 2015. Collection method: clinical testing. Allele origin: germline. Observed: 1 variant allele.
Comment: PM2_moderate